The following is an entry in ClinVar:

NM_000529.2(MC2R):c.*2426T>C

Gene: MC2R (melanocortin 2 receptor; minus strand). Cytogenetic location: 18p11.21.
Variant type: single nucleotide variant.
Coding change: c.*2426T>C on transcript NM_000529.2 (MANE Select); 2426 bases downstream of the stop codon, T replaced by C.
Molecular consequence: 3 prime UTR variant.
Genome position (GRCh38, 1-based): chr18:13,882,199, A>G on the plus strand (T>C on the coding strand, the complement: MC2R is on the minus strand). VCF-style: chr18-13882199-A-G. GRCh37 (hg19) VCF-style: chr18-13882198-A-G.
Other names: c.*2426T>C (NM_001291911.1).
Identifiers: ClinVar variation 326125 (VCV000326125.5), dbSNP rs1940906, ClinGen allele CA10651373.

ClinVar aggregate classification (germline): Benign (1 of 4 stars; one submission).

Conditions:
Glucocorticoid deficiency 1 (GCCD1). Also called: FAMILIAL GLUCOCORTICOID DEFICIENCY 1; Adrenal unresponsiveness to acth; Glucocorticoid deficiency, due to ACTH unresponsiveness. Identifiers: Orphanet 361, MedGen C4049650, MONDO:0024536, OMIM 202200.

Allele frequency attached by ClinVar (database versions not stated): 1000 Genomes Project 0.01577; 1000 Genomes Project 30x 0.01608; gnomAD 0.01670 and 0.01815; TOPMed 0.01842.

Submission:

Illumina Laboratory Services, Illumina
Classification: Benign for Glucocorticoid deficiency 1. Last evaluated: 2018-01-12. Review status: criteria provided, single submitter. Criteria: ICSL Variant Classification Criteria 13 December 2019. Collection method: clinical testing. Allele origin: germline.
Comment: This variant was observed in the ICSL laboratory as part of a predisposition screen in an ostensibly healthy population. It had not been previously curated by ICSL or reported in the Human Gene Mutation Database (HGMD: prior to June 1st, 2018), and was therefore a candidate for classification through an automated scoring system. Utilizing variant allele frequency, disease prevalence and penetrance estimates, and inheritance mode, an automated score was calculated to assess if this variant is too frequent to cause the disease. Based on the score and internal cut-off values, a variant classified as benign is not then subjected to further curation. The score for this variant resulted in a classification of benign for this disease.